The following is an entry in ClinVar:

NM_176787.5(PIGN):c.2761dup (p.Arg921fs)

Gene: PIGN (phosphatidylinositol glycan anchor biosynthesis class N; minus strand). Cytogenetic location: 18q21.33.
Variant type: Duplication.
Coding change: c.2761dup on transcript NM_176787.5 (MANE Select); coding-DNA position 2761, one base duplicated (A; older notation c.2761dupA).
Protein change: p.Arg921fs; shifts the reading frame from arginine 921.
Molecular consequence: frameshift variant.
Genome position (GRCh38, 1-based): chr18:62,045,891, T duplicated on the plus strand (A on the coding strand, the reverse complement: PIGN is on the minus strand). VCF-style (leftmost placement, unchanged base first): chr18-62045890-C-CT. GRCh37 (hg19) VCF-style: chr18-59713123-C-CT.
Other names: c.2761dup, p.Arg921fs (NM_012327.6); short protein forms R921fs.
Identifiers: ClinVar variation 948007 (VCV000948007.5), dbSNP rs1257808212, ClinGen allele CA781228889.

ClinVar aggregate classification (germline): Uncertain significance (1 of 4 stars; one submission).

Conditions:
Multiple congenital anomalies-hypotonia-seizures syndrome 1 (MCAHS1). Also called: PIGN-CDG; Congenital disorder of glycosylation due to PIGN deficiency; GLYCOSYLPHOSPHATIDYLINOSITOL BIOSYNTHESIS DEFECT 3. Identifiers: Orphanet 280633, MedGen C3279775, MONDO:0013563, OMIM 614080.

Allele frequency attached by ClinVar (database versions not stated): gnomAD exomes below 0.00001; gnomAD 0.00001; TOPMed 0.00002.

Submission:

Labcorp Genetics (formerly Invitae), Labcorp
Classification: Uncertain significance for Multiple congenital anomalies-hypotonia-seizures syndrome 1. Last evaluated: 2022-07-12. Review status: criteria provided, single submitter. Criteria: Invitae Variant Classification Sherloc (09022015). Collection method: clinical testing. Allele origin: germline.
Comment: This sequence change results in a frameshift in the PIGN gene (p.Arg921Lysfs*24). While this is not anticipated to result in nonsense mediated decay, it is expected to disrupt the last 11 amino acid(s) of the PIGN protein and extend the protein by 12 additional amino acid residues. This variant is not present in population databases (gnomAD no frequency). This variant has not been reported in the literature in individuals affected with PIGN-related conditions. ClinVar contains an entry for this variant (Variation ID: 948007). Experimental studies and prediction algorithms are not available or were not evaluated, and the functional significance of this variant is currently unknown. This variant disrupts the C-terminus of the PIGN protein. Other variant(s) that disrupt this region (p.Lys925*) have been observed in individuals with PIGN-related conditions (PMID: 28273706). This suggests that this may be a clinically significant region of the protein. In summary, the available evidence is currently insufficient to determine the role of this variant in disease. Therefore, it has been classified as a Variant of Uncertain Significance.

Literature cited by the submitters: PubMed 28273706.